The following is an entry in ClinVar:

NM_006230.4(POLD2):c.1397G>A (p.Gly466Glu)

Gene: POLD2 (DNA polymerase delta 2, accessory subunit; minus strand). Cytogenetic location: 7p13.
Variant type: single nucleotide variant.
Coding change: c.1397G>A on transcript NM_006230.4 (MANE Select); coding-DNA position 1397, G replaced by A.
Protein change: p.Gly466Glu; replaces glycine 466 with glutamic acid.
Molecular consequence: missense variant.
Genome position (GRCh38, 1-based): chr7:44,114,798, C>T on the plus strand (G>A on the coding strand, the complement: POLD2 is on the minus strand). VCF-style: chr7-44114798-C-T. GRCh37 (hg19) VCF-style: chr7-44154397-C-T.
Other names: c.1397G>A (NM_001127218.1); c.1397G>A, p.Gly466Glu (NM_001127218.3, NM_001256879.2); short protein forms G466E.
Identifiers: ClinVar variation 1956628 (VCV001956628.6), dbSNP rs774269295, ClinGen allele CA4238529.

ClinVar aggregate classification (germline): Uncertain significance. Review status: criteria provided, multiple submitters, no conflicts (2 of 4 stars). 2 submissions from 2 submitters: Uncertain significance (2). Last evaluated 2025-06-26.

Allele frequency attached by ClinVar (database versions not stated): ExAC 0.00002; gnomAD 0.00002; gnomAD exomes 0.00007.
gnomAD v4.1: 107 of 1,608,502 alleles (0.0067%); highest among the groups gnomAD compares: Non-Finnish European, 0.0078%; no homozygotes.

Submissions (2):

Ambry Genetics
Classification: Uncertain significance. Last evaluated: 2025-06-26. Review status: criteria provided, single submitter. Criteria: Ambry Variant Classification Scheme 2023. Collection method: clinical testing. Allele origin: germline.

Labcorp Genetics (formerly Invitae), Labcorp
Classification: Uncertain significance. Last evaluated: 2023-08-10. Review status: criteria provided, single submitter. Criteria: Invitae Variant Classification Sherloc (09022015). Collection method: clinical testing. Allele origin: germline.
Comment: In summary, the available evidence is currently insufficient to determine the role of this variant in disease. Therefore, it has been classified as a Variant of Uncertain Significance. Experimental studies and prediction algorithms are not available or were not evaluated, and the functional significance of this variant is currently unknown. ClinVar contains an entry for this variant (Variation ID: 1956628). This variant has not been reported in the literature in individuals affected with POLD2-related conditions. This variant is present in population databases (rs774269295, gnomAD 0.005%). This sequence change replaces glycine, which is neutral and non-polar, with glutamic acid, which is acidic and polar, at codon 501 of the POLD2 protein (p.Gly501Glu).